The following is an entry in ClinVar:

NM_001042492.3(NF1):c.7576A>G (p.Met2526Val)

Gene: NF1 (neurofibromin 1; plus strand). Cytogenetic location: 17q11.2.
Variant type: single nucleotide variant.
Coding change: c.7576A>G on transcript NM_001042492.3 (MANE Select); coding-DNA position 7576, A replaced by G.
Protein change: p.Met2526Val; replaces methionine 2526 with valine.
Molecular consequence: missense variant.
Genome position (GRCh38, 1-based): chr17:31,352,375, A>G. VCF-style: chr17-31352375-A-G. GRCh37 (hg19) VCF-style: chr17-29679393-A-G.
Other names: c.7513A>G, p.Met2505Val (NM_000267.4); short protein forms M2505V, M2526V.
Identifiers: ClinVar variation 3237944 (VCV003237944.1), dbSNP rs2151577322.

ClinVar aggregate classification (germline): Uncertain significance (1 of 4 stars; one submission).

Conditions:
Hereditary cancer-predisposing syndrome. Also called: Neoplastic Syndromes, Hereditary; Tumor predisposition; Hereditary neoplastic syndrome; Hereditary Cancer Syndrome. Identifiers: Orphanet 140162, MedGen C0027672, MeSH D009386, MONDO:0015356.
Cardiovascular phenotype. Identifiers: MedGen CN230736.

gnomAD v4.1: 1 of 1,614,144 alleles (0.000062%); no homozygotes.

Submission:

Ambry Genetics
Classification: Uncertain significance for Cardiovascular phenotype; Hereditary cancer-predisposing syndrome. Last evaluated: 2023-03-15. Review status: criteria provided, single submitter. Criteria: Ambry Variant Classification Scheme 2023. Collection method: clinical testing. Allele origin: germline.
Comment: The p.M2505V variant (also known as c.7513A>G), located in coding exon 50 of the NF1 gene, results from an A to G substitution at nucleotide position 7513. The methionine at codon 2505 is replaced by valine, an amino acid with highly similar properties. This amino acid position is highly conserved in available vertebrate species. In addition, the in silico prediction for this alteration is inconclusive. Since supporting evidence is limited at this time, the clinical significance of this alteration remains unclear.